The following is an entry in ClinVar:

ClinVar aggregate classification (germline): Uncertain significance. Review status: criteria provided, multiple submitters, no conflicts (2 of 4 stars). 2 submissions from 2 submitters: Uncertain significance (2). Last evaluated 2024-10-24.

Conditions:
Jeune thoracic dystrophy. Also called: Jeune syndrome; Infantile thoracic dystrophy; Thoracic pelvic phalangeal dystrophy; Jeune's syndrome; Chondroectodermal dysplasia-like syndrome; Short-rib thoracic dysplasia. Identifiers: Orphanet 474, MedGen C0265275, MONDO:0018770.

Allele frequency attached by ClinVar (database versions not stated): gnomAD 0.00003; ExAC 0.00004; gnomAD exomes 0.00004; TOPMed 0.00006; ESP Exome Variant Server 0.00008.
gnomAD v4.1: 67 of 1,612,892 alleles (0.0042%); highest among the groups gnomAD compares: Non-Finnish European, 0.0053%; no homozygotes.

Submissions (2):

Labcorp Genetics (formerly Invitae), Labcorp
Classification: Uncertain significance for Jeune thoracic dystrophy. Last evaluated: 2024-10-24. Review status: criteria provided, single submitter. Criteria: Invitae Variant Classification Sherloc (09022015). Collection method: clinical testing. Allele origin: germline.
Comment: This sequence change replaces threonine, which is neutral and polar, with alanine, which is neutral and non-polar, at codon 838 of the DYNC2H1 protein (p.Thr838Ala). This variant is present in population databases (rs368908954, gnomAD 0.008%). This variant has not been reported in the literature in individuals affected with DYNC2H1-related conditions. ClinVar contains an entry for this variant (Variation ID: 1956340). Invitae Evidence Modeling of protein sequence and biophysical properties (such as structural, functional, and spatial information, amino acid conservation, physicochemical variation, residue mobility, and thermodynamic stability) indicates that this missense variant is not expected to disrupt DYNC2H1 protein function with a negative predictive value of 95%. In summary, the available evidence is currently insufficient to determine the role of this variant in disease. Therefore, it has been classified as a Variant of Uncertain Significance.

Blueprint Genetics
Classification: Uncertain significance. Last evaluated: 2023-04-27. Review status: criteria provided, single submitter. Criteria: ACMG Guidelines, 2015. Collection method: clinical testing. Allele origin: germline.

NM_001377.3(DYNC2H1):c.2512A>G (p.Thr838Ala)

Gene: DYNC2H1 (dynein cytoplasmic 2 heavy chain 1; plus strand). Cytogenetic location: 11q22.3.
Variant type: single nucleotide variant.
Coding change: c.2512A>G on transcript NM_001377.3 (MANE Select); coding-DNA position 2512, A replaced by G.
Protein change: p.Thr838Ala; replaces threonine 838 with alanine.
Molecular consequence: missense variant.
Genome position (GRCh38, 1-based): chr11:103,135,886, A>G. VCF-style: chr11-103135886-A-G. GRCh37 (hg19) VCF-style: chr11-103006615-A-G.
Other names: c.2512A>G, p.Thr838Ala (NM_001080463.2); short protein forms T838A.
Identifiers: ClinVar variation 1956340 (VCV001956340.4), dbSNP rs368908954, ClinGen allele CA6253052.